The following is an entry in ClinVar:

ClinVar aggregate classification (germline): Uncertain significance (1 of 4 stars; one submission).

Conditions:
Fanconi anemia (FA). Also called: Fanconi's anemia. Identifiers: Orphanet 84, MedGen C0015625, MeSH D005199, MONDO:0019391.

Submission:

Labcorp Genetics (formerly Invitae), Labcorp
Classification: Uncertain significance for Fanconi anemia. Last evaluated: 2024-08-14. Review status: criteria provided, single submitter. Criteria: Invitae Variant Classification Sherloc (09022015). Collection method: clinical testing. Allele origin: germline.
Comment: This sequence change falls in intron 13 of the FANCM gene. It does not directly change the encoded amino acid sequence of the FANCM protein. It affects a nucleotide within the consensus splice site. This variant is not present in population databases (gnomAD no frequency). This variant has not been reported in the literature in individuals affected with FANCM-related conditions. ClinVar contains an entry for this variant (Variation ID: 2033037). Variants that disrupt the consensus splice site are a relatively common cause of aberrant splicing (PMID: 17576681, 9536098). Algorithms developed to predict the effect of sequence changes on RNA splicing suggest that this variant is not likely to affect RNA splicing. In summary, the available evidence is currently insufficient to determine the role of this variant in disease. Therefore, it has been classified as a Variant of Uncertain Significance.

Literature cited by the submitters: PubMed 17576681; PubMed 9536098.

NM_020937.4(FANCM):c.2316+4G>C

Gene: FANCM (FA complementation group M; plus strand). Cytogenetic location: 14q21.2.
Variant type: single nucleotide variant.
Coding change: c.2316+4G>C on transcript NM_020937.4 (MANE Select); 4 bases into the intron after coding-DNA position 2316, G replaced by C.
Molecular consequence: intron variant.
Genome position (GRCh38, 1-based): chr14:45,173,214, G>C. VCF-style: chr14-45173214-G-C. GRCh37 (hg19) VCF-style: chr14-45642417-G-C.
Other names: c.2238+4G>C (NM_001308133.2).
Identifiers: ClinVar variation 2033037 (VCV002033037.4), dbSNP rs2139235431, ClinGen allele CA2580088229.